The following is an entry in ClinVar:

NM_001008212.2(OPTN):c.1643G>A (p.Arg548Gln)

Gene: OPTN (optineurin; plus strand). Cytogenetic location: 10p13.
Variant type: single nucleotide variant.
Coding change: c.1643G>A on transcript NM_001008212.2 (MANE Select); coding-DNA position 1643, G replaced by A.
Protein change: p.Arg548Gln; replaces arginine 548 with glutamine.
Molecular consequence: missense variant.
Genome position (GRCh38, 1-based): chr10:13,136,775, G>A. VCF-style: chr10-13136775-G-A. GRCh37 (hg19) VCF-style: chr10-13178775-G-A.
Other names: c.1643G>A, p.Arg548Gln (NM_001008211.1, NM_001008213.1, NM_021980.4); short protein forms R548Q.
Identifiers: ClinVar variation 1395829 (VCV001395829.27), dbSNP rs550042475, ClinGen allele CA5411048.
Genomic context (GRCh38, chr10:13,136,775, plus strand): 5'-AACTAATGGAATTATCATACTTATTCCCAGGAGCTGAGGACAGGGACTGGCGGCAACAGC[G>A]GAATATTCCGATTCATTCCTGCCCCAAGTGTGGAGAGGTTCTGCCTGACATAGACACGTT-3'
Protein context (NP_001008213.1, residues 538-558): GAEDRDWRQQ[Arg548Gln]NIPIHSCPKC

ClinVar aggregate classification (germline): Uncertain significance. Review status: criteria provided, multiple submitters, no conflicts (2 of 4 stars). 4 submissions from 4 submitters: Uncertain significance (3). 1 of the submissions does not count toward it. Last evaluated 2025-04-19.

Conditions:
Amyotrophic lateral sclerosis type 12 (ALS12). Also called: AMYOTROPHIC LATERAL SCLEROSIS 12 WITH OR WITHOUT FRONTOTEMPORAL DEMENTIA. Identifiers: Orphanet 803, MedGen C3150692, MONDO:0013264, OMIM 613435.
Glaucoma 1, open angle, E. Identifiers: MedGen C1842026, MONDO:0007665.
Primary open angle glaucoma (POAG). Also called: OPTN-related open angle glaucoma. Identifiers: MedGen C0339573, MONDO:0100553, OMIM 137760.
OPTN-related disorder. Also called: OPTN-related condition; OPTN-related disorders.

Allele frequency attached by ClinVar (database versions not stated): TOPMed 0.00002; gnomAD 0.00003; gnomAD exomes 0.00004; ExAC 0.00006; 1000 Genomes Project 30x 0.00016; 1000 Genomes Project 0.00020.
gnomAD v4.1: 33 of 1,614,076 alleles (0.002%); highest among the groups gnomAD compares: East Asian, 0.0067%; no homozygotes.

Submissions (4):

Labcorp Genetics (formerly Invitae), Labcorp
Classification: Uncertain significance for Primary open angle glaucoma; Glaucoma 1, open angle, E; Amyotrophic lateral sclerosis type 12. Last evaluated: 2025-04-19. Review status: criteria provided, single submitter. Criteria: Invitae Variant Classification Sherloc (09022015). Collection method: clinical testing. Allele origin: germline.
Comment: This sequence change replaces arginine, which is basic and polar, with glutamine, which is neutral and polar, at codon 548 of the OPTN protein (p.Arg548Gln). This variant is present in population databases (rs550042475, gnomAD 0.006%). This missense change has been observed in individual(s) with OPTN-related conditions (PMID: 36133075). ClinVar contains an entry for this variant (Variation ID: 1395829). Invitae Evidence Modeling of protein sequence and biophysical properties (such as structural, functional, and spatial information, amino acid conservation, physicochemical variation, residue mobility, and thermodynamic stability) indicates that this missense variant is not expected to disrupt OPTN protein function with a negative predictive value of 80%. In summary, the available evidence is currently insufficient to determine the role of this variant in disease. Therefore, it has been classified as a Variant of Uncertain Significance.

GeneDx
Classification: Uncertain significance. Last evaluated: 2024-05-13. Review status: criteria provided, single submitter. Criteria: GeneDx Variant Classification Process June 2021. Collection method: clinical testing. Allele origin: germline. Affected: yes.
Comment: Reported previously in a patient with early onset Alzheimer's disease who also harbored variants in other genes including PSEN2 (PMID: 36133075); In silico analysis indicates that this missense variant does not alter protein structure/function; This variant is associated with the following publications: (PMID: 36133075)

CeGaT Center for Human Genetics Tuebingen
Classification: Uncertain significance. Last evaluated: 2024-04-01. Review status: criteria provided, single submitter. Criteria: CeGaT Center For Human Genetics Tuebingen Variant Classification Criteria Version 2. Collection method: clinical testing. Allele origin: germline. Affected: yes. Observed: 1 variant allele.
Comment: OPTN: PM2, BP4

PreventionGenetics, part of Exact Sciences
Classification: Uncertain significance for OPTN-related condition. Last evaluated: 2024-02-22. Review status: no assertion criteria provided. Collection method: clinical testing. Allele origin: germline. Not counted in ClinVar's aggregate classification.
Comment: The OPTN c.1643G>A variant is predicted to result in the amino acid substitution p.Arg548Gln. This variant was reported in an individual with early-onset Alzheimer disease; however, this individual also carried a rare variant in an Alzheimer disease-associated gene (patient AD#053, Bartoletti-Stella et al. 2022. PubMed ID: 36133075). This variant is reported in 0.0070% of alleles in individuals of European (Non-Finnish) descent in gnomAD. At this time, the clinical significance of this variant is uncertain due to the absence of conclusive functional and genetic evidence.

Literature cited by the submitters: PubMed 36133075 (cited by Labcorp Genetics (formerly Invitae), Labcorp).